The following is an entry in ClinVar:

NM_020812.4(DOCK6):c.3380+2T>G

Gene: DOCK6 (dedicator of cytokinesis 6; minus strand). Cytogenetic location: 19p13.2.
Variant type: single nucleotide variant.
Coding change: c.3380+2T>G on transcript NM_020812.4 (MANE Select); the canonical splice donor site of the intron after coding-DNA position 3380, T replaced by G.
Molecular consequence: splice donor variant.
Genome position (GRCh38, 1-based): chr19:11,222,107, A>C on the plus strand (T>G on the coding strand, the complement: DOCK6 is on the minus strand). VCF-style: chr19-11222107-A-C. GRCh37 (hg19) VCF-style: chr19-11332783-A-C.
Other names: c.3485+2T>G (NM_001367830.1).
Identifiers: ClinVar variation 2133115 (VCV002133115.4), dbSNP rs1600890487, ClinGen allele CA404088574.
Genomic context (GRCh38, chr19:11,222,107, plus strand): 5'-AGGGTGGACATGGCTCCTGGACTGTCCCACCTGTCCTGGGGCTAGACAGGAGCTCTGCTC[A>C]CCCTTCAGCCTCAGGTTCGAGGGCCAGTGCCAGCTCCGTCAGCAGGAGCCCAGCTAGGAA-3'

ClinVar aggregate classification (germline): Likely pathogenic (1 of 4 stars; one submission).

Submission:

Labcorp Genetics (formerly Invitae), Labcorp
Classification: Likely pathogenic. Last evaluated: 2023-12-06. Review status: criteria provided, single submitter. Criteria: Invitae Variant Classification Sherloc (09022015). Collection method: clinical testing. Allele origin: germline.
Comment: This sequence change affects a donor splice site in intron 27 of the DOCK6 gene. It is expected to disrupt RNA splicing. Variants that disrupt the donor or acceptor splice site typically lead to a loss of protein function (PMID: 16199547), and loss-of-function variants in DOCK6 are known to be pathogenic (PMID: 21820096, 25824905). This variant is not present in population databases (gnomAD no frequency). This variant has not been reported in the literature in individuals affected with DOCK6-related conditions. ClinVar contains an entry for this variant (Variation ID: 2133115). Algorithms developed to predict the effect of sequence changes on RNA splicing suggest that this variant may disrupt the consensus splice site. In summary, the currently available evidence indicates that the variant is pathogenic, but additional data are needed to prove that conclusively. Therefore, this variant has been classified as Likely Pathogenic.

Literature cited by the submitters: PubMed 16199547; PubMed 21820096; PubMed 25824905.